The following is an entry in ClinVar:

ClinVar aggregate classification (germline): Uncertain significance (1 of 4 stars; one submission).

Conditions:
Neuroferritinopathy (NBIA3). Also called: NEURODEGENERATION WITH BRAIN IRON ACCUMULATION 3; BASAL GANGLIA DISEASE, ADULT-ONSET. Identifiers: Orphanet 157846, MedGen C1853578, MONDO:0011638, OMIM 606159.
Hereditary hyperferritinemia with congenital cataracts. Also called: Hereditary hyperferritinemia cataract syndrome; Bonneau-Beaumont syndrome; HYPERFERRITINEMIA WITH OR WITHOUT CATARACT. Identifiers: Orphanet 163, MedGen C1833213, MONDO:0010952, OMIM 600886.

Allele frequency attached by ClinVar (database versions not stated): gnomAD exomes below 0.00001; TOPMed below 0.00001.

Submission:

Labcorp Genetics (formerly Invitae), Labcorp
Classification: Uncertain significance for Neuroferritinopathy; Hereditary hyperferritinemia with congenital cataracts. Last evaluated: 2024-07-15. Review status: criteria provided, single submitter. Criteria: Invitae Variant Classification Sherloc (09022015). Collection method: clinical testing. Allele origin: germline.
Comment: This sequence change creates a premature translational stop signal (p.Tyr63*) in the FTL gene. It is expected to result in an absent or disrupted protein product. However, the current clinical and genetic evidence is not sufficient to establish whether loss-of-function variants in FTL cause disease. This variant is present in population databases (no rsID available, gnomAD 0.006%). This variant has not been reported in the literature in individuals affected with FTL-related conditions. ClinVar contains an entry for this variant (Variation ID: 2181028). In summary, the available evidence is currently insufficient to determine the role of this variant in disease. Therefore, it has been classified as a Variant of Uncertain Significance.

NM_000146.4(FTL):c.189C>A (p.Tyr63Ter)

Gene: FTL (ferritin light chain; plus strand). Cytogenetic location: 19q13.33.
Variant type: single nucleotide variant.
Coding change: c.189C>A on transcript NM_000146.4 (MANE Select); coding-DNA position 189, C replaced by A.
Protein change: p.Tyr63Ter; replaces tyrosine 63 with a stop codon.
Molecular consequence: nonsense.
Genome position (GRCh38, 1-based): chr19:48,965,856, C>A. VCF-style: chr19-48965856-C-A. GRCh37 (hg19) VCF-style: chr19-49469113-C-A.
Other names: short protein forms Y63*.
Identifiers: ClinVar variation 2181028 (VCV002181028.4), dbSNP rs1348866467, ClinGen allele CA406756379.
Genomic context (GRCh38, chr19:48,965,856, plus strand): 5'-GGCTCTGGAAGGCGTGAGCCACTTCTTCCGCGAATTGGCCGAGGAGAAGCGCGAGGGCTA[C>A]GAGCGTCTCCTGAAGATGCAAAACCAGCGTGGCGGCCGCGCTCTCTTCCAGGACATCAAG-3'